The following is an entry in ClinVar:

ClinVar aggregate classification (germline): Uncertain significance (1 of 4 stars; one submission).

Conditions:
Spongy degeneration of central nervous system. Also called: ACY2 DEFICIENCY; AMINOACYLASE 2 DEFICIENCY; ASP DEFICIENCY; ASPA DEFICIENCY; ASPARTOACYLASE DEFICIENCY; CANAVAN-VAN BOGAERT-BERTRAND DISEASE. Identifiers: Orphanet 141, MedGen C0206307, MONDO:0010079, OMIM 271900.

Allele frequency attached by ClinVar (database versions not stated): TOPMed below 0.00001; gnomAD 0.00002.
gnomAD v4.1: 3 of 1,613,078 alleles (0.00019%); highest among the groups gnomAD compares: African/African-American, 0.004%; no homozygotes.

Submission:

Labcorp Genetics (formerly Invitae), Labcorp
Classification: Uncertain significance for Spongy degeneration of central nervous system. Last evaluated: 2022-10-13. Review status: criteria provided, single submitter. Criteria: Invitae Variant Classification Sherloc (09022015). Collection method: clinical testing. Allele origin: germline.
Comment: This sequence change replaces alanine, which is neutral and non-polar, with serine, which is neutral and polar, at codon 189 of the ASPA protein (p.Ala189Ser). This variant is not present in population databases (gnomAD no frequency). This variant has not been reported in the literature in individuals affected with ASPA-related conditions. Advanced modeling of protein sequence and biophysical properties (such as structural, functional, and spatial information, amino acid conservation, physicochemical variation, residue mobility, and thermodynamic stability) performed at Invitae indicates that this missense variant is not expected to disrupt ASPA protein function. In summary, the available evidence is currently insufficient to determine the role of this variant in disease. Therefore, it has been classified as a Variant of Uncertain Significance.

NM_000049.4(ASPA):c.565G>T (p.Ala189Ser)

Genes: ASPA (aspartoacylase; plus strand), SPATA22 (spermatogenesis associated 22; minus strand). Cytogenetic location: 17p13.2.
Variant type: single nucleotide variant.
Coding change: c.565G>T on transcript NM_000049.4 (MANE Select); coding-DNA position 565, G replaced by T.
Protein change: p.Ala189Ser; replaces alanine 189 with serine.
Molecular consequence: missense variant. On other transcripts: intron variant (2).
Genome position (GRCh38, 1-based): chr17:3,489,273, G>T. VCF-style: chr17-3489273-G-T. GRCh37 (hg19) VCF-style: chr17-3392567-G-T.
Other names: c.565G>T, p.Ala189Ser (NM_001128085.1); c.-73-19875C>A (NM_001321336.2, NM_001321337.2); short protein forms A189S.
Identifiers: ClinVar variation 2151112 (VCV002151112.1), dbSNP rs1301321116, ClinGen allele CA397684512.